The following is an entry in ClinVar:

NM_194454.3(KRIT1):c.1145G>A (p.Arg382Lys)

Gene: KRIT1 (KRIT1 ankyrin repeat containing; minus strand). Cytogenetic location: 7q21.2.
Variant type: single nucleotide variant.
Coding change: c.1145G>A on transcript NM_194454.3 (MANE Select); coding-DNA position 1145, G replaced by A.
Protein change: p.Arg382Lys; replaces arginine 382 with lysine.
Molecular consequence: missense variant.
Genome position (GRCh38, 1-based): chr7:92,226,527, C>T on the plus strand (G>A on the coding strand, the complement: KRIT1 is on the minus strand). VCF-style: chr7-92226527-C-T. GRCh37 (hg19) VCF-style: chr7-91855841-C-T.
Other names: c.1001G>A, p.Arg334Lys (NM_001013406.2, NM_001350669.1, NM_001350670.1); c.431G>A, p.Arg144Lys (NM_001350671.1); c.1145G>A, p.Arg382Lys (NM_001350672.1, NM_001350673.1, NM_001350674.1 and 26 more transcripts); short protein forms R144K, R334K, R382K.
Identifiers: ClinVar variation 2773006 (VCV002773006.3), dbSNP rs2535885276, ClinGen allele CA368152212.

ClinVar aggregate classification (germline): Uncertain significance (1 of 4 stars; one submission).

Conditions:
Cerebral cavernous malformation (CCM). Also called: Cavernous Hemangioma of Brain; Cerebral cavernous malformations; Cerebral cavernous hemangioma (type); CAVERNOUS ANGIOMA, FAMILIAL; CAVERNOUS ANGIOMATOUS MALFORMATIONS; CEREBRAL CAPILLARY MALFORMATIONS. Identifiers: Orphanet 221061, MedGen C2919945, MONDO:0000820, OMIM 116860, HP:0033522.

Submission:

Labcorp Genetics (formerly Invitae), Labcorp
Classification: Uncertain significance for Cerebral cavernous malformation. Last evaluated: 2023-11-01. Review status: criteria provided, single submitter. Criteria: Invitae Variant Classification Sherloc (09022015). Collection method: clinical testing. Allele origin: germline.
Comment: This sequence change replaces arginine, which is basic and polar, with lysine, which is basic and polar, at codon 382 of the KRIT1 protein (p.Arg382Lys). This variant is not present in population databases (gnomAD no frequency). This variant has not been reported in the literature in individuals affected with KRIT1-related conditions. An algorithm developed to predict the effect of missense changes on protein structure and function (PolyPhen-2) suggests that this variant is likely to be disruptive. In summary, the available evidence is currently insufficient to determine the role of this variant in disease. Therefore, it has been classified as a Variant of Uncertain Significance.